The following is an entry in ClinVar:

ClinVar aggregate classification (germline): Uncertain significance. Review status: criteria provided, multiple submitters, no conflicts (2 of 4 stars). 3 submissions from 3 submitters: Uncertain significance (3). Last evaluated 2025-06-23.

Conditions:
Microcephaly, normal intelligence and immunodeficiency (NBS). Also called: BERLIN BREAKAGE SYNDROME; Immunodeficiency, microcephaly with normal intelligence; Ataxia telangiectasia variant V1; SEEMANOVA SYNDROME II; Nijmegen breakage syndrome; Microcephaly with normal intelligence immunodeficiency and lymphoreticular malignancies. Identifiers: Orphanet 647, MedGen C0398791, MONDO:0009623, OMIM 251260.
Hereditary cancer-predisposing syndrome. Also called: Tumor predisposition; Hereditary neoplastic syndrome; Neoplastic Syndromes, Hereditary; Hereditary Cancer Syndrome. Identifiers: Orphanet 140162, MedGen C0027672, MeSH D009386, MONDO:0015356.

Allele frequency attached by ClinVar (database versions not stated): gnomAD exomes below 0.00001.
gnomAD v4.1: 1 of 1,612,020 alleles (0.000062%); highest among the groups gnomAD compares: South Asian, 0.0011%; no homozygotes.

Submissions (3):

Ambry Genetics
Classification: Uncertain significance for Hereditary cancer-predisposing syndrome. Last evaluated: 2025-06-23. Review status: criteria provided, single submitter. Criteria: Ambry Variant Classification Scheme 2023. Collection method: clinical testing. Allele origin: germline.
Comment: The p.S292L variant (also known as c.875C>T), located in coding exon 7 of the NBN gene, results from a C to T substitution at nucleotide position 875. The serine at codon 292 is replaced by leucine, an amino acid with dissimilar properties. This amino acid position is well conserved in available vertebrate species. In addition, this alteration is predicted to be tolerated by in silico analysis. Since supporting evidence is limited at this time, the clinical significance of this alteration remains unclear.

Labcorp Genetics (formerly Invitae), Labcorp
Classification: Uncertain significance for Microcephaly, normal intelligence and immunodeficiency. Last evaluated: 2024-04-15. Review status: criteria provided, single submitter. Criteria: Invitae Variant Classification Sherloc (09022015). Collection method: clinical testing. Allele origin: germline.
Comment: This sequence change replaces serine, which is neutral and polar, with leucine, which is neutral and non-polar, at codon 292 of the NBN protein (p.Ser292Leu). This variant is not present in population databases (gnomAD no frequency). This variant has not been reported in the literature in individuals affected with NBN-related conditions. ClinVar contains an entry for this variant (Variation ID: 938845). Algorithms developed to predict the effect of missense changes on protein structure and function output the following: SIFT: "Not Available"; PolyPhen-2: "Benign"; Align-GVGD: "Not Available". The leucine amino acid residue is found in multiple mammalian species, which suggests that this missense change does not adversely affect protein function. In summary, the available evidence is currently insufficient to determine the role of this variant in disease. Therefore, it has been classified as a Variant of Uncertain Significance.

GeneDx
Classification: Uncertain significance. Last evaluated: 2024-04-05. Review status: criteria provided, single submitter. Criteria: GeneDx Variant Classification Process June 2021. Collection method: clinical testing. Allele origin: germline. Affected: yes.
Comment: Not observed at significant frequency in large population cohorts (gnomAD); In silico analysis supports that this missense variant has a deleterious effect on protein structure/function; Has not been previously published as pathogenic or benign to our knowledge; This variant is associated with the following publications: (PMID: 24894818)

NM_002485.5(NBN):c.875C>T (p.Ser292Leu)

Gene: NBN (nibrin; minus strand). Cytogenetic location: 8q21.3.
Variant type: single nucleotide variant.
Coding change: c.875C>T on transcript NM_002485.5 (MANE Select); coding-DNA position 875, C replaced by T.
Protein change: p.Ser292Leu; replaces serine 292 with leucine.
Molecular consequence: missense variant.
Genome position (GRCh38, 1-based): chr8:89,970,385, G>A on the plus strand (C>T on the coding strand, the complement: NBN is on the minus strand). VCF-style: chr8-89970385-G-A. GRCh37 (hg19) VCF-style: chr8-90982613-G-A.
Other names: c.629C>T, p.Ser210Leu (NM_001024688.3); short protein forms S292L, S210L.
Identifiers: ClinVar variation 938845 (VCV000938845.14), dbSNP rs1811450946, ClinGen allele CA371658261.